The following is an entry in ClinVar:

NM_003718.5(CDK13):c.2639G>A (p.Arg880His)

Gene: CDK13 (cyclin dependent kinase 13; plus strand). Cytogenetic location: 7p14.1.
Variant type: single nucleotide variant.
Coding change: c.2639G>A on transcript NM_003718.5 (MANE Select); coding-DNA position 2639, G replaced by A.
Protein change: p.Arg880His; replaces arginine 880 with histidine.
Molecular consequence: missense variant.
Genome position (GRCh38, 1-based): chr7:40,062,864, G>A. VCF-style: chr7-40062864-G-A. GRCh37 (hg19) VCF-style: chr7-40102463-G-A.
Other names: c.2639G>A, p.Arg880His (NM_031267.4); short protein forms R880H.
Identifiers: ClinVar variation 1718177 (VCV001718177.8), dbSNP rs761752355, ClinGen allele CA4228754.

ClinVar aggregate classification (germline): Conflicting classifications of pathogenicity. Review status: criteria provided, conflicting classifications (1 of 4 stars). 3 submissions from 3 submitters: Likely pathogenic (2); Uncertain significance (1). Last evaluated 2025-10-23.

Conditions:
Congenital heart defects, dysmorphic facial features, and intellectual developmental disorder (CHDFIDD). Identifiers: Orphanet 646278, MedGen C4479246, MONDO:0044302, OMIM 617360.

Allele frequency attached by ClinVar (database versions not stated): gnomAD exomes below 0.00001; ExAC 0.00001.
gnomAD v4.1: 3 of 1,613,684 alleles (0.00019%); highest among the groups gnomAD compares: Non-Finnish European, 0.000085%; no homozygotes.

Submissions (3):

Labcorp Genetics (formerly Invitae), Labcorp
Classification: Likely pathogenic. Last evaluated: 2025-10-23. Review status: criteria provided, single submitter. Criteria: Invitae Variant Classification Sherloc (09022015). Collection method: clinical testing. Allele origin: germline.
Comment: This sequence change replaces arginine, which is basic and polar, with histidine, which is basic and polar, at codon 880 of the CDK13 protein (p.Arg880His). This variant is not present in population databases (gnomAD no frequency). This variant has not been reported in the literature in individuals affected with CDK13-related conditions. ClinVar contains an entry for this variant (Variation ID: 1718177). Invitae Evidence Modeling of protein sequence and biophysical properties (such as structural, functional, and spatial information, amino acid conservation, physicochemical variation, residue mobility, and thermodynamic stability) indicates that this missense variant is expected to disrupt CDK13 protein function with a positive predictive value of 95%. This variant disrupts the p.Arg880 amino acid residue in CDK13. Other variant(s) that disrupt this residue have been determined to be pathogenic (PMID: 29393965, 36599938). This suggests that this residue is clinically significant, and that variants that disrupt this residue are likely to be disease-causing. In summary, the currently available evidence indicates that the variant is pathogenic, but additional data are needed to prove that conclusively. Therefore, this variant has been classified as Likely Pathogenic.

Department of Human Genetics, University Hospital Bern, Inselspital
Classification: Likely pathogenic for Congenital heart defects, dysmorphic facial features, and intellectual developmental disorder. Last evaluated: 2025-03-07. Review status: criteria provided, single submitter. Criteria: ACMG Guidelines, 2015. Collection method: clinical testing. Allele origin: unknown. Inheritance: Autosomal dominant inheritance. Affected: yes. Observed: 1 heterozygote.
Comment: PM2, PP3, PP2, PM5.

Baylor Genetics
Classification: Uncertain significance for Congenital heart defects, dysmorphic facial features, and intellectual developmental disorder. Last evaluated: 2024-01-31. Review status: criteria provided, single submitter. Criteria: ACMG Guidelines, 2015. Collection method: clinical testing. Allele origin: unknown.

Literature cited by the submitters: PubMed 29393965 (cited by Labcorp Genetics (formerly Invitae), Labcorp); PubMed 36599938 (cited by Labcorp Genetics (formerly Invitae), Labcorp); PubMed 30702837 (cited by Department of Human Genetics, University Hospital Bern, Inselspital).